The following is an entry in ClinVar:

ClinVar aggregate classification (germline): Likely pathogenic (1 of 4 stars; one submission).

Conditions:
Oculootoradial syndrome (IVIC). Also called: RADIAL RAY DEFECTS, HEARING IMPAIRMENT, EXTERNAL OPHTHALMOPLEGIA, AND THROMBOCYTOPENIA; IVIC syndrome. Identifiers: Orphanet 2307, MedGen C1327918, MONDO:0007836, OMIM 147750.
Duane-radial ray syndrome (DRRS). Also called: Duane-Radial Ray Syndrome/Okihiro Syndrome; DR SYNDROME; DUANE ANOMALY WITH RADIAL RAY ABNORMALITIES AND DEAFNESS; ACRORENOOCULAR SYNDROME; Duane-Radial Ray Syndrome (DRRS) / Okihiro Syndrome; Okihiro Syndrome. Identifiers: Orphanet 93293, Orphanet 959, MedGen C1623209, MONDO:0011812, OMIM 607323. Disease mechanism: gain of function.

Submission:

Juno Genomics, Hangzhou Juno Genomics, Inc
Classification: Likely pathogenic for Oculootoradial syndrome; Duane-radial ray syndrome. Review status: criteria provided, single submitter. Criteria: ACMG Guidelines, 2015. Collection method: clinical testing. Allele origin: germline. Affected: yes.
Comment: Absent from controls (or at extremely low frequency if recessive) in Genome Aggregation Database, Exome Sequencing Project, 1000 Genomes Project, or Exome Aggregation Consortium.;Null variant in a gene where loss of function (LOF) is a known mechanism of disease.

NM_020436.5(SALL4):c.2573_2577delinsG (p.Leu858fs)

Gene: SALL4 (spalt like transcription factor 4; minus strand). Cytogenetic location: 20q13.2.
Variant type: Indel.
Coding change: c.2573_2577delinsG on transcript NM_020436.5 (MANE Select); coding-DNA positions 2573 to 2577, TGTTA replaced by G.
Protein change: p.Leu858fs; shifts the reading frame from leucine 858.
Molecular consequence: frameshift variant.
Genome position (GRCh38, 1-based): chr20:51,789,026-51,789,030, TAACA replaced by C on the plus strand (TGTTA replaced by G on the coding strand, the reverse complement: SALL4 is on the minus strand). VCF-style: chr20-51789026-TAACA-C. GRCh37 (hg19) VCF-style: chr20-50405565-TAACA-C.
Other names: c.1262_1266delinsG, p.Leu421fs (NM_001318031.2); short protein forms L421fs, L858fs.
Identifiers: ClinVar variation 3382346 (VCV003382346.2).